The following is an entry in ClinVar:

ClinVar aggregate classification (germline): Uncertain significance (1 of 4 stars; one submission).

Submission:

GeneDx
Classification: Uncertain significance. Last evaluated: 2025-05-06. Review status: criteria provided, single submitter. Criteria: GeneDx Variant Classification Process June 2021. Collection method: clinical testing. Allele origin: germline. Affected: yes.
Comment: Not observed at significant frequency in large population cohorts (gnomAD); In silico analysis suggests that this missense variant does not alter protein structure/function; Has not been previously published as pathogenic or benign to our knowledge

NM_005045.4(RELN):c.6922A>G (p.Ile2308Val)

Gene: RELN (reelin; minus strand). Cytogenetic location: 7q22.1.
Variant type: single nucleotide variant.
Coding change: c.6922A>G on transcript NM_005045.4 (MANE Select); coding-DNA position 6922, A replaced by G.
Protein change: p.Ile2308Val; replaces isoleucine 2308 with valine.
Molecular consequence: missense variant.
Genome position (GRCh38, 1-based): chr7:103,540,205, T>C on the plus strand (A>G on the coding strand, the complement: RELN is on the minus strand). VCF-style: chr7-103540205-T-C. GRCh37 (hg19) VCF-style: chr7-103180652-T-C.
Other names: c.6922A>G, p.Ile2308Val (NM_173054.3); short protein forms I2308V.
Identifiers: ClinVar variation 4527634 (VCV004527634.1).
Genomic context (GRCh38, chr7:103,540,205, plus strand): 5'-ACATTCAGCTCAAGTGACGACAATTAAAATAGTTAATCCTGAAGGGACTGACCTGATCGA[T>C]AACCCAGGGGCTGTAGAAGTGCCCATTCTCAGACGGTTGCCACCAGCGAAGGCGAGTAGA-3'
Protein context (NP_005036.2, residues 2298-2318): ENGHFYSPWV[Ile2308Val]DQILIGGNIS